The following is an entry in ClinVar:

ClinVar aggregate classification (germline): Likely benign. Review status: criteria provided, single submitter (1 of 4 stars). 2 submissions from 2 submitters: Likely benign (1). 1 of the submissions does not count toward it. Last evaluated 2022-07-28.

Conditions:
GNAS-related disorder. Identifiers: MedGen CN380105.

Allele frequency attached by ClinVar (database versions not stated): gnomAD exomes below 0.00001.
gnomAD v4.1: 1 of 1,614,162 alleles (0.000062%); highest among the groups gnomAD compares: Admixed American, 0.0017%; no homozygotes.

Submissions (2):

Labcorp Genetics (formerly Invitae), Labcorp
Classification: Likely benign. Last evaluated: 2022-07-28. Review status: criteria provided, single submitter. Criteria: Invitae Variant Classification Sherloc (09022015). Collection method: clinical testing. Allele origin: germline.

PreventionGenetics, part of Exact Sciences
Classification: Likely benign for GNAS-related condition. Last evaluated: 2024-06-01. Review status: no assertion criteria provided. Collection method: clinical testing. Allele origin: germline. Not counted in ClinVar's aggregate classification.
Comment: This variant is classified as likely benign based on ACMG/AMP sequence variant interpretation guidelines (Richards et al. 2015 PMID: 25741868, with internal and published modifications).

NM_000516.7(GNAS):c.711C>T (p.Cys237=)

Gene: GNAS (GNAS complex locus; plus strand). Cytogenetic location: 20q13.32.
Variant type: single nucleotide variant.
Coding change: c.711C>T on transcript NM_000516.7 (MANE Select); coding-DNA position 711, C replaced by T.
Protein change: p.Cys237=; no amino-acid change (cysteine 237 retained).
Molecular consequence: synonymous variant. On other transcripts: 3 prime UTR variant (2).
Genome position (GRCh38, 1-based): chr20:58,909,572, C>T. VCF-style: chr20-58909572-C-T. GRCh37 (hg19) VCF-style: chr20-57484627-C-T.
Other names: c.711C>T (NM_000516.5); c.714C>T, p.Cys238= (NM_001077488.5); c.666C>T, p.Cys222= (NM_001077489.4); c.*572C>T (NM_001077490.3); c.534C>T, p.Cys178= (NM_001309840.2, NM_001309861.2); c.615C>T, p.Cys205= (NM_001410912.1); c.2595C>T, p.Cys865= (NM_001410913.1); c.*617C>T (NM_016592.5); and 2 more.
Identifiers: ClinVar variation 2020031 (VCV002020031.5), dbSNP rs2517252289, ClinGen allele CA511087163.